The following is an entry in ClinVar:

NM_003764.4(STX11):c.148G>A (p.Asp50Asn)

Gene: STX11 (syntaxin 11; plus strand). Cytogenetic location: 6q24.2.
Variant type: single nucleotide variant.
Coding change: c.148G>A on transcript NM_003764.4 (MANE Select); coding-DNA position 148, G replaced by A.
Protein change: p.Asp50Asn; replaces aspartic acid 50 with asparagine.
Molecular consequence: missense variant.
Genome position (GRCh38, 1-based): chr6:144,186,775, G>A. VCF-style: chr6-144186775-G-A. GRCh37 (hg19) VCF-style: chr6-144507912-G-A.
Other names: short protein forms D50N.
Identifiers: ClinVar variation 3603666 (VCV003603666.2).

ClinVar aggregate classification (germline): Uncertain significance (1 of 4 stars; one submission).

Conditions:
Familial hemophagocytic lymphohistiocytosis 4 (FHL4). Also called: STX11-Related Familial Hemophagocytic Lymphohistiocytosis (STX11-fHLH). Identifiers: Orphanet 540, MedGen C1863728, MONDO:0011336, OMIM 603552.

gnomAD v4.1: 1 of 1,613,928 alleles (0.000062%); highest among the groups gnomAD compares: African/African-American, 0.0013%; no homozygotes.

Submission:

Labcorp Genetics (formerly Invitae), Labcorp
Classification: Uncertain significance for Familial hemophagocytic lymphohistiocytosis 4. Last evaluated: 2024-10-22. Review status: criteria provided, single submitter. Criteria: Invitae Variant Classification Sherloc (09022015). Collection method: clinical testing. Allele origin: germline.
Comment: This sequence change replaces aspartic acid, which is acidic and polar, with asparagine, which is neutral and polar, at codon 50 of the STX11 protein (p.Asp50Asn). This variant is not present in population databases (gnomAD no frequency). This variant has not been reported in the literature in individuals affected with STX11-related conditions. Invitae Evidence Modeling of protein sequence and biophysical properties (such as structural, functional, and spatial information, amino acid conservation, physicochemical variation, residue mobility, and thermodynamic stability) indicates that this missense variant is not expected to disrupt STX11 protein function with a negative predictive value of 80%. In summary, the available evidence is currently insufficient to determine the role of this variant in disease. Therefore, it has been classified as a Variant of Uncertain Significance.